The following is an entry in ClinVar:

ClinVar aggregate classification (germline): Benign/Likely benign. Review status: criteria provided, multiple submitters, no conflicts (2 of 4 stars). 6 submissions from 6 submitters: Benign (1); Likely benign (3). 2 of the submissions do not count toward it. Last evaluated 2024-08-19.

Conditions:
Cardiac arrhythmia. Also called: Cardiac rhythm disease; Arrhythmia. Identifiers: MedGen C0003811, MONDO:0007263, HP:0011675.
Long QT syndrome (LQTS). Identifiers: MedGen C0023976, MeSH D008133, MONDO:0002442. Disease mechanism: loss of function. Inheritance: Various modes of inheritance.

Allele frequency attached by ClinVar (database versions not stated): gnomAD exomes 0.00001 and 0.00002; ExAC 0.00002.
gnomAD v4.1: 15 of 1,564,212 alleles (0.00096%); highest among the groups gnomAD compares: Admixed American, 0.0086%; no homozygotes.

Submissions (6):

Labcorp Genetics (formerly Invitae), Labcorp
Classification: Likely benign for Long QT syndrome. Last evaluated: 2024-08-19. Review status: criteria provided, single submitter. Criteria: Invitae Variant Classification Sherloc (09022015). Collection method: clinical testing. Allele origin: germline.

All of Us Research Program, National Institutes of Health
Classification: Likely benign for Long QT syndrome. Last evaluated: 2023-10-02. Review status: criteria provided, single submitter. Criteria: ACMG Guidelines, 2015. Collection method: clinical testing. Allele origin: germline. Inheritance: Autosomal dominant inheritance. Observed: 2 variant alleles, 2 heterozygotes.
Comment: This study involves interpretation of variants in research participants for the purpose of population health screening. Participant phenotype was not available at the time of variant classification. Additional details can be found in publication PMID: 35346344, PMCID: PMC8962531

Color Diagnostics, LLC DBA Color Health
Classification: Likely benign for Cardiac arrhythmia. Last evaluated: 2021-03-17. Review status: criteria provided, single submitter. Criteria: ACMG Guidelines, 2015. Collection method: clinical testing. Allele origin: germline.

GeneDx
Classification: Benign. Last evaluated: 2015-03-03. Review status: criteria provided, single submitter. Criteria: GeneDx Variant Classification Process June 2021. Collection method: clinical testing. Allele origin: germline. Affected: yes.

Genome Diagnostics Laboratory, University Medical Center Utrecht
Classification: Likely benign. Review status: no assertion criteria provided. Collection method: clinical testing. Allele origin: germline. Affected: yes. Study: VKGL Data-share Consensus. Not counted in ClinVar's aggregate classification.

Joint Genome Diagnostic Labs from Nijmegen and Maastricht, Radboudumc and MUMC+
Classification: Likely benign. Review status: no assertion criteria provided. Collection method: clinical testing. Allele origin: germline. Affected: yes. Study: VKGL Data-share Consensus. Not counted in ClinVar's aggregate classification.

NM_000238.4(KCNH2):c.1558-6C>T

Gene: KCNH2 (potassium voltage-gated channel subfamily H member 2; minus strand). Cytogenetic location: 7q36.1.
Variant type: single nucleotide variant.
Coding change: c.1558-6C>T on transcript NM_000238.4 (MANE Select); 6 bases into the intron before coding-DNA position 1558, C replaced by T.
Molecular consequence: intron variant.
Genome position (GRCh38, 1-based): chr7:150,951,841, G>A on the plus strand (C>T on the coding strand, the complement: KCNH2 is on the minus strand). VCF-style: chr7-150951841-G-A. GRCh37 (hg19) VCF-style: chr7-150648929-G-A.
Other names: c.1270-6C>T (NM_001406753.1, NM_001406756.1); c.538-6C>T (NM_172057.3, NM_001204798.2); c.1558-6C>T (NM_172056.3); c.1381-6C>T (NM_001406755.1); c.1258-6C>T (NM_001406757.1).
Identifiers: ClinVar variation 413332 (VCV000413332.20), dbSNP rs777107971, ClinGen allele CA028723.